The following is an entry in ClinVar:

NM_006361.6(HOXB13):c.*5T>A

Gene: HOXB13 (homeobox B13; minus strand). Cytogenetic location: 17q21.32.
Variant type: single nucleotide variant.
Coding change: c.*5T>A on transcript NM_006361.6 (MANE Select); 5 bases downstream of the stop codon, T replaced by A.
Molecular consequence: 3 prime UTR variant.
Genome position (GRCh38, 1-based): chr17:48,726,785, A>T on the plus strand (T>A on the coding strand, the complement: HOXB13 is on the minus strand). VCF-style: chr17-48726785-A-T. GRCh37 (hg19) VCF-style: chr17-46804147-A-T.
Identifiers: ClinVar variation 3772977 (VCV003772977.1).

ClinVar aggregate classification (germline): Benign (1 of 4 stars; one submission).

Conditions:
Prostate cancer, hereditary, 9 (HPC9). Identifiers: Orphanet 1331, MedGen C1970250, MONDO:0012597, OMIM 610997.

Submission:

Myriad Genetics, Inc.
Classification: Benign for Prostate cancer, hereditary, 9. Last evaluated: 2024-10-31. Review status: criteria provided, single submitter. Criteria: Myriad Autosomal Dominant, Autosomal Recessive and X-Linked Classification Criteria (2023). Collection method: clinical testing. Allele origin: unknown.
Comment: This variant is considered benign. This variant occurs in the non-coding 3' untranslated region of the gene, and is not expected to impact protein function.